The following is an entry in ClinVar:

NM_174936.4(PCSK9):c.884G>A (p.Arg295His)

Gene: PCSK9 (proprotein convertase subtilisin/kexin type 9; plus strand). Cytogenetic location: 1p32.3.
Variant type: single nucleotide variant.
Coding change: c.884G>A on transcript NM_174936.4 (MANE Select); coding-DNA position 884, G replaced by A.
Protein change: p.Arg295His; replaces arginine 295 with histidine.
Molecular consequence: missense variant.
Genome position (GRCh38, 1-based): chr1:55,056,077, G>A. VCF-style: chr1-55056077-G-A. GRCh37 (hg19) VCF-style: chr1-55521750-G-A.
Other names: c.1007G>A, p.Arg336His (NM_001407240.1); c.884G>A, p.Arg295His (NM_001407241.1, NM_001407244.1, NM_001407247.1); c.887G>A, p.Arg296His (NM_001407242.1); c.827G>A, p.Arg276His (NM_001407243.1); c.692G>A, p.Arg231His (NM_001407245.1); c.509G>A, p.Arg170His (NM_001407246.1); short protein forms R295H, R170H, R336H, R231H, R276H, R296H.
Identifiers: ClinVar variation 920358 (VCV000920358.9), dbSNP rs775707869, ClinGen allele CA044946.

ClinVar aggregate classification (germline): Uncertain significance. Review status: criteria provided, multiple submitters, no conflicts (2 of 4 stars). 3 submissions from 3 submitters: Uncertain significance (3). Last evaluated 2024-04-16.

Conditions:
Familial hypercholesterolemia. Also called: Familial hypercholesterolemias; Familial hypercholesterolaemia. Identifiers: MedGen C0020445, MONDO:0005439.
Hypercholesterolemia, autosomal dominant, 3 (FHCL3). Also called: Familial hypercholesterolemia 3; Familial Hypercholesterolemia, Autosomal Dominant, 3; PCSK9-Related Familial Hypercholesterolemia, Autosomal Dominant. Identifiers: MedGen C1863551, MONDO:0011369, OMIM 603776.

Allele frequency attached by ClinVar (database versions not stated): gnomAD exomes below 0.00001 and 0.00001; ExAC 0.00001.

Submissions (3):

All of Us Research Program, National Institutes of Health
Classification: Uncertain significance for Hypercholesterolemia, autosomal dominant, 3. Last evaluated: 2024-04-16. Review status: criteria provided, single submitter. Criteria: ACMG Guidelines, 2015. Collection method: clinical testing. Allele origin: germline. Inheritance: Autosomal dominant inheritance. Observed: 2 variant alleles, 2 heterozygotes.
Comment: Variant of Uncertain Significance due to insufficient evidence: This missense variant replaces arginine with histidine at codon 295 of the PCSK9 protein. Computational prediction tools and conservation analyses are inconclusive regarding the impact of this variant on the protein function. Computational splicing tools suggest that this variant may not impact RNA splicing. To our knowledge, functional assays have not been performed for this variant nor has this variant been reported in individuals affected with familial hypercholesterolemia in the literature. This variant has been identified in 2/233652 chromosomes in the general population by the Genome Aggregation Database (gnomAD). Available evidence is insufficient to determine the role of this variant in disease conclusively.

This study involves interpretation of variants in research participants for the purpose of population health screening. Participant phenotype was not available at the time of variant classification. Additional details can be found in publication PMID: 35346344, PMCID: PMC8962531

Color Diagnostics, LLC DBA Color Health
Classification: Uncertain significance for Familial hypercholesterolemia. Last evaluated: 2023-12-04. Review status: criteria provided, single submitter. Criteria: ACMG Guidelines, 2015. Collection method: clinical testing. Allele origin: germline.
Comment: Variant of Uncertain Significance due to insufficient evidence: This missense variant replaces arginine with histidine at codon 295 of the PCSK9 protein. Computational prediction tools and conservation analyses are inconclusive regarding the impact of this variant on the protein function. Computational splicing tools suggest that this variant may not impact RNA splicing. To our knowledge, functional assays have not been performed for this variant nor has this variant been reported in individuals affected with familial hypercholesterolemia in the literature. This variant has been identified in 2/233652 chromosomes in the general population by the Genome Aggregation Database (gnomAD). Available evidence is insufficient to determine the role of this variant in disease conclusively.

Labcorp Genetics (formerly Invitae), Labcorp
Classification: Uncertain significance for Hypercholesterolemia, autosomal dominant, 3. Last evaluated: 2022-12-23. Review status: criteria provided, single submitter. Criteria: Invitae Variant Classification Sherloc (09022015). Collection method: clinical testing. Allele origin: germline.
Comment: In summary, the available evidence is currently insufficient to determine the role of this variant in disease. Therefore, it has been classified as a Variant of Uncertain Significance. Advanced modeling of protein sequence and biophysical properties (such as structural, functional, and spatial information, amino acid conservation, physicochemical variation, residue mobility, and thermodynamic stability) performed at Invitae indicates that this missense variant is not expected to disrupt PCSK9 protein function. ClinVar contains an entry for this variant (Variation ID: 920358). This variant has not been reported in the literature in individuals affected with PCSK9-related conditions. This sequence change replaces arginine, which is basic and polar, with histidine, which is basic and polar, at codon 295 of the PCSK9 protein (p.Arg295His). The frequency data for this variant in the population databases is considered unreliable, as metrics indicate poor data quality at this position in the gnomAD database.